The following is an entry in ClinVar:

ClinVar aggregate classification (germline): Benign. Review status: reviewed by expert panel (3 of 4 stars). 3 submissions from 3 submitters: Benign (1). 2 of the submissions do not count toward it. Last evaluated 2026-05-19.

Conditions:
Ornithine carbamoyltransferase deficiency (OTCD). Also called: OTC DEFICIENCY; Ornithine Carbamoyltransferase Deficiency Disease; ORNITHINE TRANSCARBAMYLASE DEFICIENCY; ORNITHINE TRANSCARBAMYLASE DEFICIENCY, HYPERAMMONEMIA DUE TO. Identifiers: Orphanet 664, MedGen C0268542, MONDO:0010703, OMIM 311250.

Allele frequency attached by ClinVar (database versions not stated): gnomAD 0.00004 and 0.00003; gnomAD exomes 0.00008 and 0.00002; ExAC 0.00004.

Submissions (3):

Clingen Urea Cycle Disorders Variant Curation Expert Panel, ClinGen
Classification: Benign for Ornithine carbamoyltransferase deficiency. Last evaluated: 2026-05-19. Review status: reviewed by expert panel. Criteria: ClinGen UreaCycles ACMG Specifications OTC V1.0. Collection method: curation. Allele origin: germline. Inheritance: X-linked inheritance.
Comment: The NM_000531.6:c.299-7dup variant in OTC is an intronic variant in intron 3. This variant has been detected in one individual without clinical and/or biochemical evidence of OTC deficiency in a genetic screening study (PMID: 18666241). The highest population minor allele frequency in gnomAD v4.1.0 is 0.0002091 (17/51802 alleles) in the South Asian population and there are 17 hemizygotes in total (BA1). The computational splicing predictor SpliceAI gives a score of 0.01 for acceptor loss, which is neither above or below the thresholds predicting a damaging (≥0.5) or benign (<0.01) impact on OTC splicing. In summary, this variant meets the criteria to be classified as benign for OTC deficiency based on the ACMG/AMP criteria applied, as specified by the ClinGen Urea Cycle Disorders Variant Curation Expert Panel (OTC specifications version 1.0.0): BA1

Labcorp Genetics (formerly Invitae), Labcorp
Classification: Benign for Ornithine carbamoyltransferase deficiency. Last evaluated: 2026-01-06. Review status: criteria provided, single submitter. Criteria: Invitae Variant Classification Sherloc (09022015). Collection method: clinical testing. Allele origin: germline. Not counted in ClinVar's aggregate classification.

Color Diagnostics, LLC DBA Color Health
Classification: Likely benign for Ornithine carbamoyltransferase deficiency. Last evaluated: 2022-04-28. Review status: criteria provided, single submitter. Criteria: ACMG Guidelines, 2015. Collection method: clinical testing. Allele origin: germline. Not counted in ClinVar's aggregate classification.

NM_000531.6(OTC):c.299-7dup

Gene: OTC (ornithine transcarbamylase; plus strand). Cytogenetic location: Xp11.4.
Variant type: Duplication.
Coding change: c.299-7dup on transcript NM_000531.6 (MANE Select); 7 bases into the intron before coding-DNA position 299, one base duplicated (A; older notation c.299-7dupA).
Molecular consequence: intron variant.
Genome position (GRCh38, 1-based): chrX:38,381,335, A duplicated. VCF-style (leftmost placement, unchanged base first): chrX-38381334-T-TA. GRCh37 (hg19) VCF-style: chrX-38240587-T-TA.
Identifiers: ClinVar variation 1168463 (VCV001168463.10), dbSNP rs374145788, ClinGen allele CA10385834.
Genomic context (GRCh38, chrX:38,381,334, plus strand): 5'-CTTTGTAATTTTGTTTTCCACTTTAGTTGTTTTTTCAAAATGATTTTTTTCTTTTTTTTT[T>TA]ATTGTAGGCTTTGCACTTCTGGGAGGACATCCTTGTTTTCTTACCACACAAGATATTCAT-3'